The following is an entry in ClinVar:

ClinVar aggregate classification (germline): Uncertain significance (1 of 4 stars; one submission).

Submission:

Labcorp Genetics (formerly Invitae), Labcorp
Classification: Uncertain significance. Last evaluated: 2022-06-13. Review status: criteria provided, single submitter. Criteria: Invitae Variant Classification Sherloc (09022015). Collection method: clinical testing. Allele origin: germline.
Comment: This sequence change replaces methionine, which is neutral and non-polar, with valine, which is neutral and non-polar, at codon 607 of the CNGA3 protein (p.Met607Val). This variant is not present in population databases (gnomAD no frequency). In summary, the available evidence is currently insufficient to determine the role of this variant in disease. Therefore, it has been classified as a Variant of Uncertain Significance. Algorithms developed to predict the effect of sequence changes on RNA splicing suggest that this variant may create or strengthen a splice site. Algorithms developed to predict the effect of missense changes on protein structure and function are either unavailable or do not agree on the potential impact of this missense change (SIFT: "Deleterious"; PolyPhen-2: "Benign"; Align-GVGD: "Class C0"). ClinVar contains an entry for this variant (Variation ID: 1056795). This variant has not been reported in the literature in individuals affected with CNGA3-related conditions.

NM_001298.3(CNGA3):c.1819A>G (p.Met607Val)

Gene: CNGA3 (cyclic nucleotide gated channel subunit alpha 3; plus strand). Cytogenetic location: 2q11.2.
Variant type: single nucleotide variant.
Coding change: c.1819A>G on transcript NM_001298.3 (MANE Select); coding-DNA position 1819, A replaced by G.
Protein change: p.Met607Val; replaces methionine 607 with valine.
Molecular consequence: missense variant.
Genome position (GRCh38, 1-based): chr2:98,396,989, A>G. VCF-style: chr2-98396989-A-G. GRCh37 (hg19) VCF-style: chr2-99013452-A-G.
Other names: c.1765A>G, p.Met589Val (NM_001079878.2); short protein forms M589V, M607V.
Identifiers: ClinVar variation 1056795 (VCV001056795.10), dbSNP rs2104250466, ClinGen allele CA347834359.